The following is an entry in ClinVar:

NM_001291303.3(FAT4):c.8441T>C (p.Met2814Thr)

Gene: FAT4 (FAT atypical cadherin 4; plus strand). Cytogenetic location: 4q28.1.
Variant type: single nucleotide variant.
Coding change: c.8441T>C on transcript NM_001291303.3 (MANE Select); coding-DNA position 8441, T replaced by C.
Protein change: p.Met2814Thr; replaces methionine 2814 with threonine.
Molecular consequence: missense variant.
Genome position (GRCh38, 1-based): chr4:125,449,451, T>C. VCF-style: chr4-125449451-T-C. GRCh37 (hg19) VCF-style: chr4-126370606-T-C.
Other names: c.8441T>C, p.Met2814Thr (NM_001291285.3); c.8435T>C, p.Met2812Thr (NM_024582.6); short protein forms M2812T, M2814T.
Identifiers: ClinVar variation 2007882 (VCV002007882.4), dbSNP rs2530896202, ClinGen allele CA358146124.

ClinVar aggregate classification (germline): Uncertain significance (1 of 4 stars; one submission).

Submission:

Labcorp Genetics (formerly Invitae), Labcorp
Classification: Uncertain significance. Last evaluated: 2022-06-18. Review status: criteria provided, single submitter. Criteria: Invitae Variant Classification Sherloc (09022015). Collection method: clinical testing. Allele origin: germline.
Comment: In summary, the available evidence is currently insufficient to determine the role of this variant in disease. Therefore, it has been classified as a Variant of Uncertain Significance. Advanced modeling of protein sequence and biophysical properties (such as structural, functional, and spatial information, amino acid conservation, physicochemical variation, residue mobility, and thermodynamic stability) performed at Invitae indicates that this missense variant is not expected to disrupt FAT4 protein function. This variant has not been reported in the literature in individuals affected with FAT4-related conditions. This variant is not present in population databases (gnomAD no frequency). This sequence change replaces methionine, which is neutral and non-polar, with threonine, which is neutral and polar, at codon 2812 of the FAT4 protein (p.Met2812Thr).